The following is an entry in ClinVar:

NM_018136.5(ASPM):c.8804G>A (p.Ser2935Asn)

Gene: ASPM (assembly factor for spindle microtubules; minus strand). Cytogenetic location: 1q31.3.
Variant type: single nucleotide variant.
Coding change: c.8804G>A on transcript NM_018136.5 (MANE Select); coding-DNA position 8804, G replaced by A.
Protein change: p.Ser2935Asn; replaces serine 2935 with asparagine.
Molecular consequence: missense variant. On other transcripts: intron variant (1).
Genome position (GRCh38, 1-based): chr1:197,100,447, C>T on the plus strand (G>A on the coding strand, the complement: ASPM is on the minus strand). VCF-style: chr1-197100447-C-T. GRCh37 (hg19) VCF-style: chr1-197069577-C-T.
Other names: c.4066-4283G>A (NM_001206846.2); short protein forms S2935N.
Identifiers: ClinVar variation 294604 (VCV000294604.7), dbSNP rs886045762, ClinGen allele CA10609283.

ClinVar aggregate classification (germline): Uncertain significance. Review status: criteria provided, multiple submitters, no conflicts (2 of 4 stars). 3 submissions from 3 submitters: Uncertain significance (3). Last evaluated 2023-04-11.

Conditions:
Microcephaly 5, primary, autosomal recessive (MCPH5). Also called: ASPM Primary Microcephaly. Identifiers: Orphanet 2512, MedGen C1837501, MONDO:0012106, OMIM 608716.

Allele frequency attached by ClinVar (database versions not stated): gnomAD exomes below 0.00001 and 0.00001; TOPMed below 0.00001; gnomAD 0.00001.

Submissions (3):

Genome-Nilou Lab
Classification: Uncertain significance for Microcephaly 5, primary, autosomal recessive. Last evaluated: 2023-04-11. Review status: criteria provided, single submitter. Criteria: ACMG Guidelines, 2015. Collection method: clinical testing. Allele origin: germline. Affected: no.

Labcorp Genetics (formerly Invitae), Labcorp
Classification: Uncertain significance. Last evaluated: 2022-08-19. Review status: criteria provided, single submitter. Criteria: Invitae Variant Classification Sherloc (09022015). Collection method: clinical testing. Allele origin: germline.
Comment: This sequence change replaces serine, which is neutral and polar, with asparagine, which is neutral and polar, at codon 2935 of the ASPM protein (p.Ser2935Asn). This variant is present in population databases (no rsID available, gnomAD 0.001%). This variant has not been reported in the literature in individuals affected with ASPM-related conditions. ClinVar contains an entry for this variant (Variation ID: 294604). Algorithms developed to predict the effect of missense changes on protein structure and function are either unavailable or do not agree on the potential impact of this missense change (SIFT: "Deleterious"; PolyPhen-2: "Possibly Damaging"; Align-GVGD: "Class C0"). In summary, the available evidence is currently insufficient to determine the role of this variant in disease. Therefore, it has been classified as a Variant of Uncertain Significance.

Illumina Laboratory Services, Illumina
Classification: Uncertain significance for Microcephaly 5, primary, autosomal recessive. Last evaluated: 2018-01-12. Review status: criteria provided, single submitter. Criteria: ICSL Variant Classification Criteria 13 December 2019. Collection method: clinical testing. Allele origin: germline.